The following is an entry in ClinVar:

NM_001005242.3(PKP2):c.582T>A (p.Tyr194Ter)

Gene: PKP2 (plakophilin 2; minus strand). Cytogenetic location: 12p11.21.
Variant type: single nucleotide variant.
Coding change: c.582T>A on transcript NM_001005242.3 (MANE Select); coding-DNA position 582, T replaced by A.
Protein change: p.Tyr194Ter; replaces tyrosine 194 with a stop codon.
Molecular consequence: nonsense.
Genome position (GRCh38, 1-based): chr12:32,878,298, A>T on the plus strand (T>A on the coding strand, the complement: PKP2 is on the minus strand). VCF-style: chr12-32878298-A-T. GRCh37 (hg19) VCF-style: chr12-33031232-A-T.
Other names: c.582T>A, p.Tyr194Ter (NM_004572.4); short protein forms Y194*.
Identifiers: ClinVar variation 1075965 (VCV001075965.7), dbSNP rs532048791, ClinGen allele CA384364256.
Genomic context (GRCh38, chr12:32,878,298, plus strand): 5'-AAAGTGGCGCTGCCTGCTTGTGGTGCCAGCACGGCTGACCCCCACGATCTCGGAACGAGC[A>T]TATCTCGGTGGCACTAGGAGGGCGGCCCGCCTGCTTTCTTGGTGGTGCAGGGTGTGCCCA-3'

ClinVar aggregate classification (germline): Pathogenic (1 of 4 stars; one submission).

Conditions:
Arrhythmogenic right ventricular dysplasia 9 (ARVD9). Also called: Arrhythmogenic Right Ventricular Dysplasia/Cardiomyopathy 9; ARRHYTHMOGENIC RIGHT VENTRICULAR DYSPLASIA, FAMILIAL, 9. Identifiers: MedGen C1836906, MONDO:0012180, OMIM 609040.

Submission:

Labcorp Genetics (formerly Invitae), Labcorp
Classification: Pathogenic for Arrhythmogenic right ventricular dysplasia 9. Last evaluated: 2020-02-21. Review status: criteria provided, single submitter. Criteria: Invitae Variant Classification Sherloc (09022015). Collection method: clinical testing. Allele origin: germline.
Comment: This variant is not present in population databases (ExAC no frequency). This variant has not been reported in the literature in individuals with PKP2-related conditions. Loss-of-function variants in PKP2 are known to be pathogenic (PMID: 15489853, 23911551). For these reasons, this variant has been classified as Pathogenic. This sequence change creates a premature translational stop signal (p.Tyr194*) in the PKP2 gene. It is expected to result in an absent or disrupted protein product.

Literature cited by the submitters: PubMed 15489853; PubMed 23911551.